The following is an entry in ClinVar:

NM_170606.3(KMT2C):c.12815C>T (p.Thr4272Met)

Gene: KMT2C (lysine methyltransferase 2C; minus strand). Cytogenetic location: 7q36.1.
Variant type: single nucleotide variant.
Coding change: c.12815C>T on transcript NM_170606.3 (MANE Select); coding-DNA position 12815, C replaced by T.
Protein change: p.Thr4272Met; replaces threonine 4272 with methionine.
Molecular consequence: missense variant.
Genome position (GRCh38, 1-based): chr7:152,149,112, G>A on the plus strand (C>T on the coding strand, the complement: KMT2C is on the minus strand). VCF-style: chr7-152149112-G-A. GRCh37 (hg19) VCF-style: chr7-151846197-G-A.
Other names: c.12815C>T (NM_170606.2); short protein forms T4272M.
Identifiers: ClinVar variation 3025578 (VCV003025578.24), dbSNP rs754010322, ClinGen allele CA4578708.

ClinVar aggregate classification (germline): Conflicting classifications of pathogenicity. Review status: criteria provided, conflicting classifications (1 of 4 stars). 3 submissions from 3 submitters: Uncertain significance (2); Likely benign (1). Last evaluated 2026-04-22.

Conditions:
Inborn genetic diseases. Identifiers: MedGen C0950123, MeSH D030342.

Allele frequency attached by ClinVar (database versions not stated): ExAC 0.00001; TOPMed 0.00001; gnomAD 0.00002; gnomAD exomes 0.00003.
gnomAD v4.1: 49 of 1,493,120 alleles (0.0033%); highest among the groups gnomAD compares: South Asian, 0.037%; no homozygotes.

Submissions (3):

Women's Health and Genetics/Laboratory Corporation of America, LabCorp
Classification: Uncertain significance. Last evaluated: 2026-04-22. Review status: criteria provided, single submitter. Criteria: LabCorp Variant Classification Summary - May 2015. Collection method: clinical testing. Allele origin: germline.
Comment: Variant summary: KMT2C c.12815C>T (p.Thr4272Met) results in a non-conservative amino acid change in the encoded protein sequence. Algorithms developed to predict the effect of missense changes on protein structure and function are either unavailable or do not agree on the potential impact of this missense change. The variant allele was found at a frequency of 1.8e-05 in 169724 control chromosomes. The available data on variant occurrences in the general population are insufficient to allow any conclusion about variant significance. To our knowledge, no occurrence of c.12815C>T in individuals affected with KMT2C-related conditions and no experimental evidence demonstrating its impact on protein function have been reported. ClinVar contains an entry for this variant (Variation ID: 3025578). Based on the evidence outlined above, the variant was classified as uncertain significance.

Ambry Genetics
Classification: Uncertain significance for Inborn genetic diseases. Last evaluated: 2024-07-31. Review status: criteria provided, single submitter. Criteria: Ambry Variant Classification Scheme 2023. Collection method: clinical testing. Allele origin: germline.

CeGaT Center for Human Genetics Tuebingen
Classification: Likely benign. Last evaluated: 2024-01-01. Review status: criteria provided, single submitter. Criteria: CeGaT Center For Human Genetics Tuebingen Variant Classification Criteria Version 2. Collection method: clinical testing. Allele origin: germline. Affected: yes. Observed: 1 variant allele.
Comment: KMT2C: BP4